The following is an entry in ClinVar:

NM_001114753.3(ENG):c.-12C>T

Gene: ENG (endoglin; minus strand). Cytogenetic location: 9q34.11.
Variant type: single nucleotide variant.
Coding change: c.-12C>T on transcript NM_001114753.3 (MANE Select); 12 bases upstream of the start codon, C replaced by T.
Molecular consequence: 5 prime UTR variant.
Genome position (GRCh38, 1-based): chr9:127,854,367, G>A on the plus strand (C>T on the coding strand, the complement: ENG is on the minus strand). VCF-style: chr9-127854367-G-A. GRCh37 (hg19) VCF-style: chr9-130616646-G-A.
Other names: c.-12C>T (NM_000118.4, NM_001406715.1).
Identifiers: ClinVar variation 2151154 (VCV002151154.4), dbSNP rs1377553955, ClinGen allele CA590606761.
Genomic context (GRCh38, chr9:127,854,367, plus strand): 5'-AGCTGGCCAGCAGCAGGGCAACAGCCAGAGGGAGCGTGCCGCGGTCCATGCTGTCCACGT[G>A]GGGGCCTGTGCGCTGGGCCTTATCCTGTGTCCAGTGGCAGGGCTGCGGGCGGGCACCGGG-3'

ClinVar aggregate classification (germline): Uncertain significance (1 of 4 stars; one submission).

Conditions:
Hereditary hemorrhagic telangiectasia (HHT). Also called: ORW DISEASE; Osler Weber Rendu syndrome; OSLER-RENDU-WEBER DISEASE; Osler hemorrhagic telangiectasia syndrome. Identifiers: Orphanet 774, MedGen C0039445, MONDO:0019180. Disease mechanism: loss of function.

Allele frequency attached by ClinVar (database versions not stated): gnomAD 0.00001; gnomAD exomes 0.00001; TOPMed 0.00001.
gnomAD v4.1: 9 of 1,580,482 alleles (0.00057%); highest among the groups gnomAD compares: Non-Finnish European, 0.00077%; no homozygotes.

Submission:

Labcorp Genetics (formerly Invitae), Labcorp
Classification: Uncertain significance for Hereditary hemorrhagic telangiectasia. Last evaluated: 2022-08-03. Review status: criteria provided, single submitter. Criteria: Invitae Variant Classification Sherloc (09022015). Collection method: clinical testing. Allele origin: germline.
Comment: In summary, the available evidence is currently insufficient to determine the role of this variant in disease. Therefore, it has been classified as a Variant of Uncertain Significance. Experimental studies and prediction algorithms are not available or were not evaluated, and the functional significance of this variant is currently unknown. This variant has not been reported in the literature in individuals affected with ENG-related conditions. The frequency data for this variant in the population databases is considered unreliable, as metrics indicate poor data quality at this position in the gnomAD database. This variant occurs in a non-coding region of the ENG gene. It does not change the encoded amino acid sequence of the ENG protein.